The following is an entry in ClinVar:

NM_022114.4(PRDM16):c.100G>A (p.Ala34Thr)

Gene: PRDM16 (PR/SET domain 16; plus strand). Cytogenetic location: 1p36.32.
Variant type: single nucleotide variant.
Coding change: c.100G>A on transcript NM_022114.4 (MANE Select); coding-DNA position 100, G replaced by A.
Protein change: p.Ala34Thr; replaces alanine 34 with threonine.
Molecular consequence: missense variant.
Genome position (GRCh38, 1-based): chr1:3,186,187, G>A. VCF-style: chr1-3186187-G-A. GRCh37 (hg19) VCF-style: chr1-3102751-G-A.
Other names: c.100G>A, p.Ala34Thr (NM_199454.3); short protein forms A34T.
Identifiers: ClinVar variation 227857 (VCV000227857.55), dbSNP rs187194973, ClinGen allele CA543699.

ClinVar aggregate classification (germline): Benign/Likely benign. Review status: criteria provided, multiple submitters, no conflicts (2 of 4 stars). 14 submissions from 14 submitters: Benign (4); Likely benign (5). 5 of the submissions do not count toward it. Last evaluated 2026-02-01.

Conditions:
Left ventricular noncompaction 8 (LVNC8). Identifiers: Orphanet 154, Orphanet 54260, MedGen C3809288, MONDO:0014152, OMIM 615373.

Allele frequency attached by ClinVar (database versions not stated): 1000 Genomes Project 0.00120; 1000 Genomes Project 30x 0.00141; TOPMed 0.00179; ExAC 0.00202; ESP Exome Variant Server 0.00203; gnomAD 0.00252.
gnomAD v4.1: 4,649 of 1,612,890 alleles (0.29%); highest among the groups gnomAD compares: Non-Finnish European, 0.35%; 12 homozygotes.

Submissions (14):

Labcorp Genetics (formerly Invitae), Labcorp
Classification: Likely benign for Left ventricular noncompaction 8. Last evaluated: 2026-02-01. Review status: criteria provided, single submitter. Criteria: Invitae Variant Classification Sherloc (09022015). Collection method: clinical testing. Allele origin: germline.

CeGaT Center for Human Genetics Tuebingen
Classification: Benign. Last evaluated: 2026-01-01. Review status: criteria provided, single submitter. Criteria: CeGaT Center For Human Genetics Tuebingen Variant Classification Criteria Version 2. Collection method: clinical testing. Allele origin: germline. Affected: yes. Observed: 3 variant alleles.
Comment: PRDM16: BP4, BS1, BS2

ARUP Laboratories, Molecular Genetics and Genomics, ARUP Laboratories
Classification: Likely benign. Last evaluated: 2025-04-23. Review status: criteria provided, single submitter. Criteria: ARUP Molecular Germline Variant Investigation Process 2024. Collection method: clinical testing. Allele origin: germline.

Blueprint Genetics
Classification: Likely benign. Last evaluated: 2024-11-25. Review status: criteria provided, single submitter. Criteria: ACMG Guidelines, 2015. Collection method: clinical testing. Allele origin: germline.

Mayo Clinic Laboratories, Mayo Clinic
Classification: Benign. Last evaluated: 2023-11-27. Review status: criteria provided, single submitter. Criteria: ACMG Guidelines, 2015. Collection method: clinical testing. Allele origin: germline. Observed: 3 variant alleles.
Comment: BS1, BS2, BP4

Women's Health and Genetics/Laboratory Corporation of America, LabCorp
Classification: Likely benign. Last evaluated: 2023-08-19. Review status: criteria provided, single submitter. Criteria: LabCorp Variant Classification Summary - May 2015. Collection method: clinical testing. Allele origin: germline.

Fulgent Genetics
Classification: Benign for Left ventricular noncompaction 8. Last evaluated: 2021-10-14. Review status: criteria provided, single submitter. Criteria: ACMG Guidelines, 2015. Collection method: clinical testing. Allele origin: unknown.

GeneDx
Classification: Likely benign. Last evaluated: 2020-12-15. Review status: criteria provided, single submitter. Criteria: GeneDx Variant Classification Process June 2021. Collection method: clinical testing. Allele origin: germline. Affected: yes.

Laboratory for Molecular Medicine, Mass General Brigham Personalized Medicine
Classification: Benign. Last evaluated: 2017-10-12. Review status: criteria provided, single submitter. Criteria: LMM Criteria. Collection method: clinical testing. Allele origin: germline. Observed: 6 variant alleles.
Comment: p.Ala34Thr in exon 2 of PRDM16: This variant is not expected to have clinical s ignificance because it has been identified in 0.3% (371/125336) of European chro mosomes by the Genome Aggregation Database Sequencing Project (dbSNP rs187194973). ACMG/AMP Criteria applied: BA1 (Richards 20 15).

Clinical Genetics DNA and cytogenetics Diagnostics Lab, Erasmus MC, Erasmus Medical Center
Classification: Likely benign. Review status: no assertion criteria provided. Collection method: clinical testing. Allele origin: germline. Affected: yes. Study: VKGL Data-share Consensus. Not counted in ClinVar's aggregate classification.

Clinical Genetics, Academic Medical Center
Classification: Benign. Review status: no assertion criteria provided. Collection method: clinical testing. Allele origin: germline. Affected: yes. Study: VKGL Data-share Consensus. Not counted in ClinVar's aggregate classification.

Diagnostic Laboratory, Department of Genetics, University Medical Center Groningen
Classification: Likely benign. Review status: no assertion criteria provided. Collection method: clinical testing. Allele origin: germline. Affected: yes. Study: VKGL Data-share Consensus. Not counted in ClinVar's aggregate classification.

Genome Diagnostics Laboratory, University Medical Center Utrecht
Classification: Benign. Review status: no assertion criteria provided. Collection method: clinical testing. Allele origin: germline. Affected: yes. Study: VKGL Data-share Consensus. Not counted in ClinVar's aggregate classification.

Joint Genome Diagnostic Labs from Nijmegen and Maastricht, Radboudumc and MUMC+
Classification: Benign. Review status: no assertion criteria provided. Collection method: clinical testing. Allele origin: germline. Affected: yes. Study: VKGL Data-share Consensus. Not counted in ClinVar's aggregate classification.